The following is an entry in ClinVar:

ClinVar aggregate classification (germline): Uncertain significance (1 of 4 stars; one submission).

Conditions:
Dyskeratosis congenita, autosomal recessive 5 (DKCB5). Identifiers: MedGen C3554656, MONDO:0014076, OMIM 615190.
Pulmonary fibrosis and/or bone marrow failure, Telomere-related, 3. Also called: PULMONARY FIBROSIS AND/OR BONE MARROW FAILURE SYNDROME, TELOMERE-RELATED, 3. Identifiers: Orphanet 2032, MedGen C4225346, MONDO:0014613, OMIM 616373.

Allele frequency attached by ClinVar (database versions not stated): gnomAD exomes below 0.00001.
gnomAD v4.1: 1 of 1,611,050 alleles (0.000062%); highest among the groups gnomAD compares: Admixed American, 0.0017%; no homozygotes.

Submission:

Labcorp Genetics (formerly Invitae), Labcorp
Classification: Uncertain significance for Dyskeratosis congenita, autosomal recessive 5; Pulmonary fibrosis and/or bone marrow failure, Telomere-related, 3. Last evaluated: 2022-09-16. Review status: criteria provided, single submitter. Criteria: Invitae Variant Classification Sherloc (09022015). Collection method: clinical testing. Allele origin: germline.
Comment: This sequence change replaces alanine, which is neutral and non-polar, with glycine, which is neutral and non-polar, at codon 96 of the RTEL1 protein (p.Ala96Gly). This variant is not present in population databases (gnomAD no frequency). This variant has not been reported in the literature in individuals affected with RTEL1-related conditions. Algorithms developed to predict the effect of missense changes on protein structure and function output the following: SIFT: "Tolerated"; PolyPhen-2: "Benign"; Align-GVGD: "Class C0". The glycine amino acid residue is found in multiple mammalian species, which suggests that this missense change does not adversely affect protein function. In summary, the available evidence is currently insufficient to determine the role of this variant in disease. Therefore, it has been classified as a Variant of Uncertain Significance.

NM_001283009.2(RTEL1):c.287C>G (p.Ala96Gly)

Genes: RTEL1 (regulator of telomere elongation helicase 1; plus strand), RTEL1-TNFRSF6B (RTEL1-TNFRSF6B readthrough (NMD candidate); plus strand). Cytogenetic location: 20q13.33.
Variant type: single nucleotide variant.
Coding change: c.287C>G on transcript NM_001283009.2 (MANE Select); coding-DNA position 287, C replaced by G.
Protein change: p.Ala96Gly; replaces alanine 96 with glycine.
Molecular consequence: missense variant. On other transcripts: non-coding transcript variant (1), 5 prime UTR variant (1).
Genome position (GRCh38, 1-based): chr20:63,661,482, C>G. VCF-style: chr20-63661482-C-G. GRCh37 (hg19) VCF-style: chr20-62292835-C-G.
Other names: c.-383C>G (NM_001283010.1); c.287C>G, p.Ala96Gly (NM_016434.4, NM_032957.5); short protein forms A96G.
Identifiers: ClinVar variation 1719582 (VCV001719582.3), dbSNP rs2516992888, ClinGen allele CA409658219.
Genomic context (GRCh38, chr20:63,661,482, plus strand): 5'-CGCAAGGAGAGCTTTTCCCGGATCGGGCCTTGTCATCCTGGGGCAACGCTGCTGCTGCTG[C>G]TGGAGACCCCATAGGTGACCCTAGTTCCCAGGCCTCTCCTGGCCTCCTGTGGGGATGGTT-3'
Protein context (NP_001269938.1, residues 86-106): LSSWGNAAAA[Ala96Gly]GDPIACYTDI